The following is an entry in ClinVar:

ClinVar aggregate classification (germline): Conflicting classifications of pathogenicity. Review status: criteria provided, conflicting classifications (1 of 4 stars). 2 submissions from 2 submitters: Uncertain significance (1); Likely benign (1). Last evaluated 2026-04-14.

Conditions:
Hereditary cancer-predisposing syndrome. Also called: Neoplastic Syndromes, Hereditary; Tumor predisposition; Hereditary Cancer Syndrome; Hereditary neoplastic syndrome. Identifiers: Orphanet 140162, MedGen C0027672, MeSH D009386, MONDO:0015356.
Tuberous sclerosis 1 (TSC1). Identifiers: Orphanet 805, MedGen C1854465, MONDO:0008612, OMIM 191100.

Submissions (2):

Ambry Genetics
Classification: Likely benign for Hereditary cancer-predisposing syndrome. Last evaluated: 2026-04-14. Review status: criteria provided, single submitter. Criteria: Ambry Variant Classification Scheme 2023. Collection method: clinical testing. Allele origin: germline.

Labcorp Genetics (formerly Invitae), Labcorp
Classification: Uncertain significance for Tuberous sclerosis 1. Last evaluated: 2021-12-02. Review status: criteria provided, single submitter. Criteria: Invitae Variant Classification Sherloc (09022015). Collection method: clinical testing. Allele origin: germline.
Comment: This sequence change replaces asparagine, which is neutral and polar, with lysine, which is basic and polar, at codon 997 of the TSC1 protein (p.Asn997Lys). This variant is not present in population databases (gnomAD no frequency). This variant has not been reported in the literature in individuals affected with TSC1-related conditions. Algorithms developed to predict the effect of missense changes on protein structure and function output the following: SIFT: "Tolerated"; PolyPhen-2: "Benign"; Align-GVGD: "Class C0". The lysine amino acid residue is found in multiple mammalian species, which suggests that this missense change does not adversely affect protein function. Algorithms developed to predict the effect of sequence changes on RNA splicing suggest that this variant may create or strengthen a splice site. In summary, the available evidence is currently insufficient to determine the role of this variant in disease. Therefore, it has been classified as a Variant of Uncertain Significance.

NM_000368.5(TSC1):c.2991T>G (p.Asn997Lys)

Gene: TSC1 (TSC complex subunit 1; minus strand). Cytogenetic location: 9q34.13.
Variant type: single nucleotide variant.
Coding change: c.2991T>G on transcript NM_000368.5 (MANE Select); coding-DNA position 2991, T replaced by G.
Protein change: p.Asn997Lys; replaces asparagine 997 with lysine.
Molecular consequence: missense variant.
Genome position (GRCh38, 1-based): chr9:132,896,739, A>C on the plus strand (T>G on the coding strand, the complement: TSC1 is on the minus strand). VCF-style: chr9-132896739-A-C. GRCh37 (hg19) VCF-style: chr9-135772126-A-C.
Other names: c.2988T>G, p.Asn996Lys (NM_001162426.2, NM_001406597.1, NM_001406598.1 and 2 more transcripts); c.2838T>G, p.Asn946Lys (NM_001162427.2, NM_001406610.1); c.2628T>G, p.Asn876Lys (NM_001362177.2, NM_001406614.1, NM_001406615.1 and 4 more transcripts); c.2991T>G, p.Asn997Lys (NM_001406592.1, NM_001406593.1, NM_001406594.1 and 2 more transcripts); c.2973T>G, p.Asn991Lys (NM_001406603.1, NM_001406604.1); c.2949T>G, p.Asn983Lys (NM_001406605.1, NM_001406606.1, NM_001406607.1); c.2946T>G, p.Asn982Lys (NM_001406608.1, NM_001406609.1); c.2835T>G, p.Asn945Lys (NM_001406611.1, NM_001406612.1); and 8 more; short protein forms N646K, N679K, N861K, N945K, N983K, N996K, N876K, N982K.
Identifiers: ClinVar variation 1904489 (VCV001904489.8), dbSNP rs2538460425, ClinGen allele CA375368001.